The following is an entry in ClinVar:

NM_001127222.2(CACNA1A):c.4363G>A (p.Val1455Met)

Gene: CACNA1A (calcium voltage-gated channel subunit alpha1 A; minus strand). Cytogenetic location: 19p13.13.
Variant type: single nucleotide variant.
Coding change: c.4363G>A on transcript NM_001127222.2 (MANE Select); coding-DNA position 4363, G replaced by A.
Protein change: p.Val1455Met; replaces valine 1455 with methionine.
Molecular consequence: missense variant.
Genome position (GRCh38, 1-based): chr19:13,259,589, C>T on the plus strand (G>A on the coding strand, the complement: CACNA1A is on the minus strand). VCF-style: chr19-13259589-C-T. GRCh37 (hg19) VCF-style: chr19-13370403-C-T.
Other names: c.4375G>A, p.Val1459Met (NM_000068.4, NM_023035.3); c.4366G>A, p.Val1456Met (NM_001127221.2, NM_001174080.2); short protein forms V1456M, V1455M, V1459M.
Identifiers: ClinVar variation 946947 (VCV000946947.12), dbSNP rs121908237, ClinGen allele CA404339250.
Genomic context (GRCh38, chr19:13,259,589, plus strand): 5'-CTCCTCCTGGATAGATTTCCAGTCGGGCCACTTACTGTGGCCAGCCTTCTCCCGTGGACA[C>T]GGTGAAGAGGGTCAGCAGAGCCCACAGCACATTGTCGTAATGGAATTCATACTTCTTCCA-3'
Protein context (NP_001120694.1, residues 1445-1465): VLWALLTLFT[Val1455Met]STGEGWPQVL

ClinVar aggregate classification (germline): Likely pathogenic. Review status: criteria provided, multiple submitters, no conflicts (2 of 4 stars). 2 submissions from 2 submitters: Likely pathogenic (2). Last evaluated 2024-06-20.

Conditions:
Developmental and epileptic encephalopathy, 42 (DEE42A). Also called: DEVELOPMENTAL AND EPILEPTIC ENCEPHALOPATHY 42A; EPILEPTIC ENCEPHALOPATHY, EARLY INFANTILE, 42A; Epileptic encephalopathy, early infantile, 42. Identifiers: MedGen C4310716, MONDO:0014917, OMIM 617106.
Episodic ataxia type 2 (EA2). Also called: ATAXIA, EPISODIC, WITH NYSTAGMUS; ATAXIA, FAMILIAL PAROXYSMAL; CEREBELLAR ATAXIA, PAROXYSMAL, ACETAZOLAMIDE-RESPONSIVE; ACETAZOLAMIDE-RESPONSIVE HEREDITARY PAROXYSMAL CEREBELLAR ATAXIA; CEREBELLOPATHY, HEREDITARY PAROXYSMAL; EPISODIC ATAXIA, NYSTAGMUS-ASSOCIATED. Identifiers: Orphanet 97, MedGen C1720416, MONDO:0007163, OMIM 108500.
Seizure. Also called: Seizures. Identifiers: MedGen C0036572, HP:0001250.

Allele frequency attached by ClinVar (database versions not stated): gnomAD exomes below 0.00001.
gnomAD v4.1: 1 of 1,608,998 alleles (0.000062%); highest among the groups gnomAD compares: South Asian, 0.0011%; no homozygotes.

Submissions (2):

Cytogénomique, Hospices Civils de Lyon
Classification: Likely pathogenic for Seizures. Last evaluated: 2024-06-20. Review status: criteria provided, single submitter. Criteria: ACMG Guidelines, 2015. Collection method: clinical testing. Allele origin: paternal. Affected: yes. Observed: 1 variant allele, 1 heterozygote.

Labcorp Genetics (formerly Invitae), Labcorp
Classification: Likely pathogenic for Developmental and epileptic encephalopathy, 42; Episodic ataxia type 2. Last evaluated: 2022-07-25. Review status: criteria provided, single submitter. Criteria: Invitae Variant Classification Sherloc (09022015). Collection method: clinical testing. Allele origin: germline.
Comment: This variant disrupts the p.Val1456 amino acid residue in CACNA1A. Other variant(s) that disrupt this residue have been determined to be pathogenic (PMID: 10408532, 10734061). This suggests that this residue is clinically significant, and that variants that disrupt this residue are likely to be disease-causing. In summary, the currently available evidence indicates that the variant is pathogenic, but additional data are needed to prove that conclusively. Therefore, this variant has been classified as Likely Pathogenic. Advanced modeling of protein sequence and biophysical properties (such as structural, functional, and spatial information, amino acid conservation, physicochemical variation, residue mobility, and thermodynamic stability) performed at Invitae indicates that this missense variant is expected to disrupt CACNA1A protein function. This sequence change replaces valine, which is neutral and non-polar, with methionine, which is neutral and non-polar, at codon 1456 of the CACNA1A protein (p.Val1456Met). This variant is not present in population databases (gnomAD no frequency). This variant has not been reported in the literature in individuals affected with CACNA1A-related conditions. ClinVar contains an entry for this variant (Variation ID: 946947).

Literature cited by the submitters: PubMed 10408532 (cited by Labcorp Genetics (formerly Invitae), Labcorp); PubMed 10734061 (cited by Labcorp Genetics (formerly Invitae), Labcorp).